The following is an entry in ClinVar:

NM_015474.4(SAMHD1):c.243T>G (p.Leu81=)

Gene: SAMHD1 (SAM and HD domain containing deoxynucleoside triphosphate triphosphohydrolase 1; minus strand). Cytogenetic location: 20q11.23.
Variant type: single nucleotide variant.
Coding change: c.243T>G on transcript NM_015474.4 (MANE Select); coding-DNA position 243, T replaced by G.
Protein change: p.Leu81=; no amino-acid change (leucine 81 retained).
Molecular consequence: synonymous variant.
Genome position (GRCh38, 1-based): chr20:36,946,770, A>C on the plus strand (T>G on the coding strand, the complement: SAMHD1 is on the minus strand). VCF-style: chr20-36946770-A-C. GRCh37 (hg19) VCF-style: chr20-35575173-A-C.
Other names: c.243T>G, p.Leu81= (NM_001363729.2, NM_001363733.2).
Identifiers: ClinVar variation 1538111 (VCV001538111.31), dbSNP rs1316259613, ClinGen allele CA510387094.
Genomic context (GRCh38, chr20:36,946,770, plus strand): 5'-TAACGTGAATTTATTTCTTCATTCTTACCTTACTCCAAGATTTTCAAAACGAGACTCATC[A>C]AGACAAGGCAGTAATGCGCCTGTGATTTCATTTTCTATGGAAGAAAAAAGACAAATTCAA-3'
Protein context (NP_056289.2, residues 71-91): NEITGALLPC[Leu81=]DESRFENLGV

ClinVar aggregate classification (germline): Likely benign. Review status: criteria provided, multiple submitters, no conflicts (2 of 4 stars). 2 submissions from 2 submitters: Likely benign (2). Last evaluated 2026-01-06.

Conditions:
Aicardi-Goutieres syndrome 5. Identifiers: Orphanet 51, MedGen C2749659, MONDO:0013059, OMIM 612952.

Allele frequency attached by ClinVar (database versions not stated): gnomAD exomes below 0.00001; TOPMed below 0.00001.
gnomAD v4.1: 1 of 1,613,374 alleles (0.000062%); highest among the groups gnomAD compares: Non-Finnish European, 0.000085%; no homozygotes.

Submissions (2):

Labcorp Genetics (formerly Invitae), Labcorp
Classification: Likely benign for Aicardi-Goutieres syndrome 5. Last evaluated: 2026-01-06. Review status: criteria provided, single submitter. Criteria: Invitae Variant Classification Sherloc (09022015). Collection method: clinical testing. Allele origin: germline.

CeGaT Center for Human Genetics Tuebingen
Classification: Likely benign. Last evaluated: 2023-02-01. Review status: criteria provided, single submitter. Criteria: CeGaT Center For Human Genetics Tuebingen Variant Classification Criteria Version 2. Collection method: clinical testing. Allele origin: germline. Affected: yes. Observed: 1 variant allele.
Comment: SAMHD1: PM2:Supporting, BP4, BP7